The following is an entry in ClinVar:

NC_000019.9:g.(?_4159641)_(4164657_?)dup

Gene: CREB3L3 (cAMP responsive element binding protein 3 like 3; plus strand). Cytogenetic location: 19p13.3.
Variant type: Duplication.
Identifiers: ClinVar variation 2427048 (VCV002427048.3).

ClinVar aggregate classification (germline): Likely pathogenic (1 of 4 stars; one submission).

Submission:

Labcorp Genetics (formerly Invitae), Labcorp
Classification: Likely pathogenic. Last evaluated: 2022-08-20. Review status: criteria provided, single submitter. Criteria: Invitae Variant Classification Sherloc (09022015). Collection method: clinical testing. Allele origin: germline.
Comment: This variant results in a copy number gain of the genomic region encompassing exon(s) 4-5 of the CREB3L3 gene. While the exact position of this variant cannot be determined from the data, sub-genic copy number gains are generally in tandem (PMID: 25640679). This variant is predicted to be out-of-frame, and may result in an absent or disrupted protein product. Loss-of-function variants in CREB3L3 are known to be pathogenic (PMID: 21666694, 26427795). A similar copy number variant has been observed in individual(s) with clinical features of hypertriglyceridemia (Invitae). In summary, the currently available evidence indicates that the variant is pathogenic, but additional data are needed to prove that conclusively. Therefore, this variant has been classified as Likely Pathogenic.

Literature cited by the submitters: PubMed 25640679; PubMed 21666694; PubMed 26427795.